The following is an entry in ClinVar:

ClinVar aggregate classification (germline): Benign/Likely benign. Review status: criteria provided, multiple submitters, no conflicts (2 of 4 stars). 3 submissions from 3 submitters: Benign (1); Likely benign (2). Last evaluated 2024-09-11.

Conditions:
Hereditary cancer-predisposing syndrome. Also called: Neoplastic Syndromes, Hereditary; Hereditary Cancer Syndrome; Hereditary neoplastic syndrome; Tumor predisposition. Identifiers: Orphanet 140162, MedGen C0027672, MeSH D009386, MONDO:0015356.
Hereditary diffuse gastric adenocarcinoma (HDGC). Also called: DIFFUSE GASTRIC AND LOBULAR BREAST CANCER SYNDROME. Identifiers: Orphanet 26106, MedGen C1708349, MONDO:0007648, OMIM 137215.

gnomAD v4.1: 1 of 1,548,808 alleles (0.000065%); highest among the groups gnomAD compares: Non-Finnish European, 0.000087%; no homozygotes.

Submissions (3):

Myriad Genetics, Inc.
Classification: Benign for Hereditary diffuse gastric adenocarcinoma. Last evaluated: 2024-09-11. Review status: criteria provided, single submitter. Criteria: Myriad Autosomal Dominant, Autosomal Recessive and X-Linked Classification Criteria (2023). Collection method: clinical testing. Allele origin: unknown.
Comment: This variant is considered benign. This variant is a silent/synonymous amino acid change and it is not expected to impact splicing.

Labcorp Genetics (formerly Invitae), Labcorp
Classification: Likely benign for Hereditary diffuse gastric adenocarcinoma. Last evaluated: 2022-01-28. Review status: criteria provided, single submitter. Criteria: Invitae Variant Classification Sherloc (09022015). Collection method: clinical testing. Allele origin: germline.

Ambry Genetics
Classification: Likely benign for Hereditary cancer-predisposing syndrome. Last evaluated: 2021-02-09. Review status: criteria provided, single submitter. Criteria: Ambry Variant Classification Scheme 2023. Collection method: clinical testing. Allele origin: germline.

NM_004360.5(CDH1):c.150C>G (p.Arg50=)

Gene: CDH1 (cadherin 1; plus strand). Cytogenetic location: 16q22.1.
Variant type: single nucleotide variant.
Coding change: c.150C>G on transcript NM_004360.5 (MANE Select); coding-DNA position 150, C replaced by G.
Protein change: p.Arg50=; no amino-acid change (arginine 50 retained).
Molecular consequence: synonymous variant. On other transcripts: 5 prime UTR variant (2).
Genome position (GRCh38, 1-based): chr16:68,738,398, C>G. VCF-style: chr16-68738398-C-G. GRCh37 (hg19) VCF-style: chr16-68772301-C-G.
Other names: c.150C>G, p.Arg50= (NM_001317184.2); c.-1466C>G (NM_001317185.2); c.-1670C>G (NM_001317186.2).
Identifiers: ClinVar variation 1560354 (VCV001560354.11), dbSNP rs786201262, ClinGen allele CA496149641.
Genomic context (GRCh38, chr16:68,738,398, plus strand): 5'-TGGCTTTGACGCCGAGAGCTACACGTTCACGGTGCCCCGGCGCCACCTGGAGAGAGGCCG[C>G]GTCCTGGGCAGAGGTGAGGGCGCGCTGCCGGTGTCCCTGGGCGGAGTAGGGAGGGGTTGG-3'
Protein context (NP_004351.1, residues 40-60): TVPRRHLERG[Arg50=]VLGRVNFEDC